The following is an entry in ClinVar:

ClinVar aggregate classification (germline): Uncertain significance (1 of 4 stars; one submission).

Submission:

GeneDx
Classification: Uncertain significance. Last evaluated: 2022-04-08. Review status: criteria provided, single submitter. Criteria: GeneDx Variant Classification Process June 2021. Collection method: clinical testing. Allele origin: germline. Affected: yes.
Comment: Not observed at significant frequency in large population cohorts (gnomAD); In silico analysis supports that this missense variant has a deleterious effect on protein structure/function; Has not been previously published as pathogenic or benign to our knowledge

NM_001690.4(ATP6V1A):c.1651G>A (p.Ala551Thr)

Gene: ATP6V1A (ATPase H+ transporting V1 subunit A; plus strand). Cytogenetic location: 3q13.31.
Variant type: single nucleotide variant.
Coding change: c.1651G>A on transcript NM_001690.4 (MANE Select); coding-DNA position 1651, G replaced by A.
Protein change: p.Ala551Thr; replaces alanine 551 with threonine.
Molecular consequence: missense variant.
Genome position (GRCh38, 1-based): chr3:113,805,415, G>A. VCF-style: chr3-113805415-G-A. GRCh37 (hg19) VCF-style: chr3-113524262-G-A.
Other names: short protein forms A551T.
Identifiers: ClinVar variation 1708864 (VCV001708864.2), dbSNP rs2549727730, ClinGen allele CA353993371.